The following is an entry in ClinVar:

ClinVar aggregate classification (germline): Uncertain significance (1 of 4 stars; one submission).

Submission:

Labcorp Genetics (formerly Invitae), Labcorp
Classification: Uncertain significance. Last evaluated: 2024-04-14. Review status: criteria provided, single submitter. Criteria: Invitae Variant Classification Sherloc (09022015). Collection method: clinical testing. Allele origin: germline.
Comment: This sequence change replaces proline, which is neutral and non-polar, with serine, which is neutral and polar, at codon 583 of the MSH3 protein (p.Pro583Ser). This variant is not present in population databases (gnomAD no frequency). This variant has not been reported in the literature in individuals affected with MSH3-related conditions. An algorithm developed to predict the effect of missense changes on protein structure and function (PolyPhen-2) suggests that this variant is likely to be disruptive. In summary, the available evidence is currently insufficient to determine the role of this variant in disease. Therefore, it has been classified as a Variant of Uncertain Significance.

NM_002439.5(MSH3):c.1747C>T (p.Pro583Ser)

Gene: MSH3 (mutS homolog 3; plus strand). Cytogenetic location: 5q14.1.
Variant type: single nucleotide variant.
Coding change: c.1747C>T on transcript NM_002439.5 (MANE Select); coding-DNA position 1747, C replaced by T.
Protein change: p.Pro583Ser; replaces proline 583 with serine.
Molecular consequence: missense variant.
Genome position (GRCh38, 1-based): chr5:80,744,599, C>T. VCF-style: chr5-80744599-C-T. GRCh37 (hg19) VCF-style: chr5-80040418-C-T.
Other names: short protein forms P583S.
Identifiers: ClinVar variation 3649806 (VCV003649806.2).